The following is an entry in ClinVar:

NM_012199.5(AGO1):c.595G>A (p.Gly199Ser)

Gene: AGO1 (argonaute RISC component 1; plus strand). Cytogenetic location: 1p34.3.
Variant type: single nucleotide variant.
Coding change: c.595G>A on transcript NM_012199.5 (MANE Select); coding-DNA position 595, G replaced by A.
Protein change: p.Gly199Ser; replaces glycine 199 with serine.
Molecular consequence: missense variant.
Genome position (GRCh38, 1-based): chr1:35,893,756, G>A. VCF-style: chr1-35893756-G-A. GRCh37 (hg19) VCF-style: chr1-36359357-G-A.
Other names: c.595G>A, p.Gly199Ser (NM_001317122.2); c.370G>A, p.Gly124Ser (NM_001317123.2); short protein forms G124S, G199S.
Identifiers: ClinVar variation 1299763 (VCV001299763.14), dbSNP rs2148711383, ClinGen allele CA339367506.

ClinVar aggregate classification (germline): Pathogenic/Likely pathogenic. Review status: criteria provided, multiple submitters, no conflicts (2 of 4 stars). 8 submissions from 8 submitters: Pathogenic (2); Likely pathogenic (4). 2 of the submissions do not count toward it. Last evaluated 2025-11-22.

Conditions:
Neurodevelopmental disorder with language delay and behavioral abnormalities, with or without seizures (NEDLBAS). Identifiers: MedGen C5830365, MONDO:0859531, OMIM 620292.
AGO1-related neurodevelopmental disorder.
Intellectual disability. Also called: intellectual disabilities; Intellectual functioning disability; Intellectual developmental disorder. Identifiers: MedGen C3714756, MeSH D008607, MONDO:0001071, HP:0001249.

Submissions (8):

Variantyx, Inc.
Classification: Pathogenic for Neurodevelopmental disorder with language delay and behavioral abnormalities, with or without seizures. Last evaluated: 2025-11-22. Review status: criteria provided, single submitter. Criteria: Variantyx Assertion Criteria 2022. Collection method: clinical testing. Allele origin: germline. Inheritance: Autosomal dominant inheritance. Affected: yes.
Comment: This is a nonsynonymous variant in the AGO1 gene (OMIM: 606228). Pathogenic variants in this gene have been associated with autosomal dominant neurodevelopmental disorder with language delay and behavioral abnormalities, with or without seizures. This variant has been reported in many unrelated affected individuals (PMID: 25356899, 30213762, 33057194, 34930816) (PS4). Multiple computational algorithms predict a deleterious effect for this variant (REVEL score: 0.664) (PP3). This variant is absent from control populations (PM2). Based on the current evidence, this variant is classified as pathogenic for autosomal dominant neurodevelopmental disorder with language delay and behavioral abnormalities, with or without seizures.

Institute of Human Genetics, Clinical Exome/Genome Diagnostics Group, University Hospital Bonn
Classification: Likely pathogenic. Last evaluated: 2022-05-06. Review status: criteria provided, single submitter. Criteria: ACMG Guidelines, 2015. Collection method: clinical testing. Allele origin: germline. Affected: yes.

Labcorp Genetics (formerly Invitae), Labcorp
Classification: Pathogenic. Last evaluated: 2022-04-05. Review status: criteria provided, single submitter. Criteria: Invitae Variant Classification Sherloc (09022015). Collection method: clinical testing. Allele origin: germline.
Comment: This sequence change replaces glycine, which is neutral and non-polar, with serine, which is neutral and polar, at codon 199 of the AGO1 protein (p.Gly199Ser). This variant is not present in population databases (gnomAD no frequency). This missense change has been observed in individual(s) with AGO1 related-conditions (PMID: 25356899, 30213762). In at least one individual the variant was observed to be de novo. ClinVar contains an entry for this variant (Variation ID: 1299763). Algorithms developed to predict the effect of missense changes on protein structure and function are either unavailable or do not agree on the potential impact of this missense change (SIFT: "Not Available"; PolyPhen-2: "Probably Damaging"; Align-GVGD: "Not Available"). For these reasons, this variant has been classified as Pathogenic.

Genetic Services Laboratory, University of Chicago
Classification: Likely pathogenic. Last evaluated: 2018-02-15. Review status: criteria provided, single submitter. Criteria: ACMG Guidelines, 2015. Collection method: clinical testing. Allele origin: germline. Affected: yes.

Juno Genomics, Hangzhou Juno Genomics, Inc
Classification: Likely pathogenic for Neurodevelopmental disorder with language delay and behavioral abnormalities, with or without seizures. Review status: criteria provided, single submitter. Criteria: ACMG Guidelines, 2015. Collection method: clinical testing. Allele origin: germline. Affected: yes.
Comment: Absent from controls (or at extremely low frequency if recessive) in Genome Aggregation Database, Exome Sequencing Project, 1000 Genomes Project, or Exome Aggregation Consortium.;The prevalence of the variant in affected individuals is significantly increased compared to the prevalence in controls.;Assumed de novo, but without confirmation of paternity and maternity.;Multiple lines of computational evidence support a deleterious effect on the gene or gene product (conservation, evolutionary, splicing impact, etc).;Missense variant in a gene that has a low rate of benign missense variation and where missense variants are a common mechanism of disease.

Kasturba Medical College, Manipal, Kasturba Medical College, Manipal, Manipal Academy of Higher Education, Manipal, India
Classification: Likely pathogenic for AGO1-related neurodevelopmental disorder. Review status: criteria provided, single submitter. Criteria: ACMG Guidelines, 2015. Collection method: clinical testing. Allele origin: de novo. Affected: yes.

OMIM
Classification: Pathogenic for NEURODEVELOPMENTAL DISORDER WITH LANGUAGE DELAY AND BEHAVIORAL ABNORMALITIES, WITH OR WITHOUT SEIZURES. Last evaluated: 2014-10-01. Review status: no assertion criteria provided. Collection method: literature only. Allele origin: germline. Not counted in ClinVar's aggregate classification.

Diagnostic Laboratory, Strasbourg University Hospital
Classification: Likely pathogenic for Intellectual disability. Review status: no assertion criteria provided. Collection method: clinical testing. Allele origin: de novo. Inheritance: Sporadic. Affected: yes. Observed: 5 heterozygotes. Not counted in ClinVar's aggregate classification.

Literature cited by the submitters: PubMed 25356899 (cited by 3 submitters); PubMed 30213762 (cited by 3 submitters); PubMed 33057194 (cited by Variantyx, Inc.); PubMed 34930816 (cited by Variantyx, Inc. and OMIM); DOI 10.1016/j.ejmg.2018.09.004 (cited by Kasturba Medical College, Manipal, Kasturba Medical College, Manipal, Manipal Academy of Higher Education, Manipal, India).